The following is an entry in ClinVar:

NM_001195129.2(PRSS56):c.1631C>T (p.Pro544Leu)

Gene: PRSS56 (serine protease 56; plus strand). Cytogenetic location: 2q37.1.
Variant type: single nucleotide variant.
Coding change: c.1631C>T on transcript NM_001195129.2 (MANE Select); coding-DNA position 1631, C replaced by T.
Protein change: p.Pro544Leu; replaces proline 544 with leucine.
Molecular consequence: missense variant.
Genome position (GRCh38, 1-based): chr2:232,525,325, C>T. VCF-style: chr2-232525325-C-T. GRCh37 (hg19) VCF-style: chr2-233390035-C-T.
Other names: c.1634C>T, p.Pro545Leu (NM_001369848.1); c.1631C>T (NM_001195129.1); short protein forms P544L, P545L.
Identifiers: ClinVar variation 1057381 (VCV001057381.8), dbSNP rs927010024, ClinGen allele CA66949778.
Genomic context (GRCh38, chr2:232,525,325, plus strand): 5'-GGGTGCGGGCAGGCTTGGGGGGCCGGCATGTGGCCTTCAGCGGCCTGGTGGGCCTGGAGC[C>T]GGCCACACTGGCTCGCAGCCTCCCCCGGCTGCTGGTGCAGGCCCTGCAGGCCTTCCGCGT-3'
Protein context (NP_001182058.1, residues 534-554): VAFSGLVGLE[Pro544Leu]ATLARSLPRL

ClinVar aggregate classification (germline): Uncertain significance. Review status: criteria provided, multiple submitters, no conflicts (2 of 4 stars). 2 submissions from 2 submitters: Uncertain significance (2). Last evaluated 2024-09-09.

Conditions:
Inborn genetic diseases. Identifiers: MedGen C0950123, MeSH D030342.
Isolated microphthalmia 6. Also called: MICROPHTHALMIA, POSTERIOR NONSYNDROMIC. Identifiers: Orphanet 2542, MedGen C3150757, MONDO:0013293, OMIM 613517.

Allele frequency attached by ClinVar (database versions not stated): gnomAD 0.00004; gnomAD exomes 0.00004 and 0.00029; TOPMed 0.00009.

Submissions (2):

Ambry Genetics
Classification: Uncertain significance for Inborn genetic diseases. Last evaluated: 2024-09-09. Review status: criteria provided, single submitter. Criteria: Ambry Variant Classification Scheme 2023. Collection method: clinical testing. Allele origin: germline.

Labcorp Genetics (formerly Invitae), Labcorp
Classification: Uncertain significance for Isolated microphthalmia 6. Last evaluated: 2024-02-23. Review status: criteria provided, single submitter. Criteria: Invitae Variant Classification Sherloc (09022015). Collection method: clinical testing. Allele origin: germline.
Comment: This sequence change replaces proline, which is neutral and non-polar, with leucine, which is neutral and non-polar, at codon 544 of the PRSS56 protein (p.Pro544Leu). This variant is present in population databases (no rsID available, gnomAD 0.1%). This missense change has been observed in individual(s) with nanophthalmia (Invitae). In at least one individual the data is consistent with being in trans (on the opposite chromosome) from a pathogenic variant. ClinVar contains an entry for this variant (Variation ID: 1057381). Experimental studies and prediction algorithms are not available or were not evaluated, and the functional significance of this variant is currently unknown. In summary, the available evidence is currently insufficient to determine the role of this variant in disease. Therefore, it has been classified as a Variant of Uncertain Significance.